The following is an entry in ClinVar:

NM_000400.4(ERCC2):c.2161C>G (p.Leu721Val)

Gene: ERCC2 (ERCC excision repair 2, TFIIH core complex helicase subunit; minus strand). Cytogenetic location: 19q13.32.
Variant type: single nucleotide variant.
Coding change: c.2161C>G on transcript NM_000400.4 (MANE Select); coding-DNA position 2161, C replaced by G.
Protein change: p.Leu721Val; replaces leucine 721 with valine.
Molecular consequence: missense variant.
Genome position (GRCh38, 1-based): chr19:45,352,238, G>C on the plus strand (C>G on the coding strand, the complement: ERCC2 is on the minus strand). VCF-style: chr19-45352238-G-C. GRCh37 (hg19) VCF-style: chr19-45855496-G-C.
Other names: short protein forms L721V.
Identifiers: ClinVar variation 1786922 (VCV001786922.2), dbSNP rs780241951, ClinGen allele CA406361029.

ClinVar aggregate classification (germline): Uncertain significance (1 of 4 stars; one submission).

Conditions:
Inborn genetic diseases. Identifiers: MedGen C0950123, MeSH D030342.

Submission:

Ambry Genetics
Classification: Uncertain significance for Inborn genetic diseases. Last evaluated: 2021-09-10. Review status: criteria provided, single submitter. Criteria: Ambry Variant Classification Scheme 2023. Collection method: clinical testing. Allele origin: germline.
Comment: The p.L721V variant (also known as c.2161C>G), located in coding exon 22 of the ERCC2 gene, results from a C to G substitution at nucleotide position 2161. The leucine at codon 721 is replaced by valine, an amino acid with highly similar properties. This amino acid position is conserved. In addition, the in silico prediction for this alteration is inconclusive. Since supporting evidence is limited at this time, the clinical significance of this alteration remains unclear.